The following is an entry in ClinVar:

NM_001267550.2(TTN):c.87785T>G (p.Val29262Gly)

Genes: TTN (titin; minus strand), TTN-AS1 (TTN antisense RNA 1; plus strand). Cytogenetic location: 2q31.2.
Variant type: single nucleotide variant.
Coding change: c.87785T>G on transcript NM_001267550.2 (MANE Select); coding-DNA position 87785, T replaced by G.
Protein change: p.Val29262Gly; replaces valine 29262 with glycine.
Molecular consequence: missense variant.
Genome position (GRCh38, 1-based): chr2:178,557,477, A>C on the plus strand (T>G on the coding strand, the complement: TTN is on the minus strand). VCF-style: chr2-178557477-A-C. GRCh37 (hg19) VCF-style: chr2-179422204-A-C.
Other names: c.82862T>G, p.Val27621Gly (NM_001256850.1); c.60590T>G, p.Val20197Gly (NM_003319.4); c.80081T>G, p.Val26694Gly (NM_133378.4); c.60965T>G, p.Val20322Gly (NM_133432.3); c.61166T>G, p.Val20389Gly (NM_133437.4); short protein forms V29262G, V20322G, V27621G, V20197G, V26694G, V20389G.
Identifiers: ClinVar variation 1751303 (VCV001751303.3), dbSNP rs1053653300, ClinGen allele CA60981516.
Genomic context (GRCh38, chr2:178,557,477, plus strand): 5'-ATACTGTTTCTGTCTTTCATTTCCAGGTGATAGCCTACGACTGCACTGCCTCCATTTGAC[A>C]CTGGTTCATGCCAGCCCACAGTGATGCTTTCTCGAGTAACATTAGTGACCCATGGTGTAG-3'
Protein context (NP_001254479.2, residues 29252-29272): ESITVGWHEP[Val29262Gly]SNGGSAVVGY

ClinVar aggregate classification (germline): Uncertain significance. Review status: criteria provided, multiple submitters, no conflicts (2 of 4 stars). 2 submissions from 2 submitters: Uncertain significance (2). Last evaluated 2025-08-25.

Conditions:
TTN-related disorder. Also called: TTN-related disorders; TTN-related condition; TTN-related disease.
Cardiovascular phenotype. Identifiers: MedGen CN230736.

Allele frequency attached by ClinVar (database versions not stated): gnomAD 0.00003.
gnomAD v4.1: 8 of 1,613,776 alleles (0.0005%); highest among the groups gnomAD compares: African/African-American, 0.008%; no homozygotes.

Submissions (2):

PreventionGenetics, part of Exact Sciences
Classification: Uncertain significance for TTN-related condition. Last evaluated: 2025-08-25. Review status: criteria provided, single submitter. Criteria: ACMG Guidelines, 2015. Collection method: clinical testing. Allele origin: germline.
Comment: The TTN c.87785T>G variant is predicted to result in the amino acid substitution p.Val29262Gly. To our knowledge, this variant has not been reported in the literature. This variant is reported in 0.0065% of alleles in individuals of African descent in gnomAD. At this time, the clinical significance of this variant is uncertain due to the absence of conclusive functional and genetic evidence.

Ambry Genetics
Classification: Uncertain significance for Cardiovascular phenotype. Last evaluated: 2020-03-03. Review status: criteria provided, single submitter. Criteria: Ambry Variant Classification Scheme 2023. Collection method: clinical testing. Allele origin: germline.
Comment: The p.V20197G variant (also known as c.60590T>G), located in coding exon 156 of the TTN gene, results from a T to G substitution at nucleotide position 60590. The valine at codon 20197 is replaced by glycine, an amino acid with dissimilar properties. This amino acid position is well conserved in available vertebrate species. In addition, this alteration is predicted to be tolerated by in silico analysis. Since supporting evidence is limited at this time, the clinical significance of this alteration remains unclear.